The following is an entry in ClinVar:

ClinVar aggregate classification (germline): Uncertain significance. Review status: criteria provided, multiple submitters, no conflicts (2 of 4 stars). 2 submissions from 2 submitters: Uncertain significance (2). Last evaluated 2025-07-14.

Allele frequency attached by ClinVar (database versions not stated): gnomAD 0.00003; TOPMed 0.00004; ExAC 0.00006; 1000 Genomes Project 30x 0.00016; 1000 Genomes Project 0.00020.
gnomAD v4.1: 78 of 1,608,630 alleles (0.0048%); highest among the groups gnomAD compares: Non-Finnish European, 0.0065%; no homozygotes.

Submissions (2):

Labcorp Genetics (formerly Invitae), Labcorp
Classification: Uncertain significance. Last evaluated: 2025-07-14. Review status: criteria provided, single submitter. Criteria: Invitae Variant Classification Sherloc (09022015). Collection method: clinical testing. Allele origin: germline.
Comment: This sequence change replaces valine, which is neutral and non-polar, with methionine, which is neutral and non-polar, at codon 553 of the DOCK6 protein (p.Val553Met). This variant is present in population databases (rs200994971, gnomAD 0.007%). This variant has not been reported in the literature in individuals affected with DOCK6-related conditions. ClinVar contains an entry for this variant (Variation ID: 2085534). Invitae Evidence Modeling of protein sequence and biophysical properties (such as structural, functional, and spatial information, amino acid conservation, physicochemical variation, residue mobility, and thermodynamic stability) has been performed for this missense variant. However, the output from this modeling did not meet the statistical confidence thresholds required to predict the impact of this variant on DOCK6 protein function. In summary, the available evidence is currently insufficient to determine the role of this variant in disease. Therefore, it has been classified as a Variant of Uncertain Significance.

Blueprint Genetics
Classification: Uncertain significance. Last evaluated: 2024-02-06. Review status: criteria provided, single submitter. Criteria: ACMG Guidelines, 2015. Collection method: clinical testing. Allele origin: germline.

NM_020812.4(DOCK6):c.1657G>A (p.Val553Met)

Gene: DOCK6 (dedicator of cytokinesis 6; minus strand). Cytogenetic location: 19p13.2.
Variant type: single nucleotide variant.
Coding change: c.1657G>A on transcript NM_020812.4 (MANE Select); coding-DNA position 1657, G replaced by A.
Protein change: p.Val553Met; replaces valine 553 with methionine.
Molecular consequence: missense variant.
Genome position (GRCh38, 1-based): chr19:11,238,291, C>T on the plus strand (G>A on the coding strand, the complement: DOCK6 is on the minus strand). VCF-style: chr19-11238291-C-T. GRCh37 (hg19) VCF-style: chr19-11348967-C-T.
Other names: c.1657G>A, p.Val553Met (NM_001367830.1); short protein forms V553M.
Identifiers: ClinVar variation 2085534 (VCV002085534.3), dbSNP rs200994971, ClinGen allele CA9207899.